The following is an entry in ClinVar:

ClinVar aggregate classification (germline): Likely pathogenic (0 of 4 stars; one submission).

Conditions:
Imerslund-Grasbeck syndrome. Also called: PERNICIOUS ANEMIA, JUVENILE, DUE TO SELECTIVE INTESTINAL MALABSORPTION OF VITAMIN B12, WITH PROTEINURIA; Megaloblastic anemia due to inborn errors of metabolism; Imerslund-Gräsbeck syndrome; ENTEROCYTE COBALAMIN MALABSORPTION; ENTEROCYTE INTRINSIC FACTOR RECEPTOR, DEFECT OF. Identifiers: Orphanet 35858, MedGen C4551825, MONDO:0009853.

Submission:

Juha Muilu Group; Institute for Molecular Medicine Finland (FIMM)
Classification: Likely pathogenic for Megaloblastic anemia due to inborn errors of metabolism. Review status: no assertion criteria provided. Collection method: not provided. Allele origin: unknown.
Comment: FinDis database variant: This variant was not found or characterized by our laboratory, data were collected from public sources: see reference
ClinVar note: Converted during submission from probable-pathogenic to Likely pathogenic.

NM_001081.4(CUBN):c.3056C>G (p.Ser1019Ter)

Gene: CUBN (cubilin; minus strand). Cytogenetic location: 10p13.
Variant type: single nucleotide variant.
Coding change: c.3056C>G on transcript NM_001081.4 (MANE Select); coding-DNA position 3056, C replaced by G.
Protein change: p.Ser1019Ter; replaces serine 1019 with a stop codon.
Molecular consequence: nonsense.
Genome position (GRCh38, 1-based): chr10:17,065,591, G>C on the plus strand (C>G on the coding strand, the complement: CUBN is on the minus strand). VCF-style: chr10-17065591-G-C. GRCh37 (hg19) VCF-style: chr10-17107590-G-C.
Other names: short protein forms S1019*.
Identifiers: ClinVar variation 56333 (VCV000056333.2), dbSNP rs386833780, ClinGen allele CA144277.
Genomic context (GRCh38, chr10:17,065,591, plus strand): 5'-TAGTTTATTAAGAAGCCTTCATAAGCGAGGTCGGAGTCAGTCACAAACACCAGCATCAAT[G>C]AGTTACCACTGCTTGTGAGAGATGGCGGGATCGACTTTCCACAGTATCTATTCCAAACCA-3'